The following is an entry in ClinVar:

NM_000138.5(FBN1):c.3332G>T (p.Cys1111Phe)

Gene: FBN1 (fibrillin 1; minus strand). Cytogenetic location: 15q21.1.
Variant type: single nucleotide variant.
Coding change: c.3332G>T on transcript NM_000138.5 (MANE Select); coding-DNA position 3332, G replaced by T.
Protein change: p.Cys1111Phe; replaces cysteine 1111 with phenylalanine.
Molecular consequence: missense variant.
Genome position (GRCh38, 1-based): chr15:48,488,118, C>A on the plus strand (G>T on the coding strand, the complement: FBN1 is on the minus strand). VCF-style: chr15-48488118-C-A. GRCh37 (hg19) VCF-style: chr15-48780315-C-A.
Other names: c.3332G>T, p.Cys1111Phe (NM_001406716.1); short protein forms C1111F.
Identifiers: ClinVar variation 3061450 (VCV003061450.3), dbSNP rs1566909766, ClinGen allele CA392326983.

ClinVar aggregate classification (germline): Likely pathogenic (1 of 4 stars; one submission).

Conditions:
FBN1-related disorder. Also called: FBN1-related disorders.

Submission:

PreventionGenetics, part of Exact Sciences
Classification: Likely pathogenic for FBN1-related condition. Last evaluated: 2025-01-14. Review status: criteria provided, single submitter. Criteria: ACMG Guidelines, 2015. Collection method: clinical testing. Allele origin: germline.
Comment: The FBN1 c.3332G>T variant is predicted to result in the amino acid substitution p.Cys1111Phe. To our knowledge, this variant has not been reported in the literature or in a large population database, indicating this variant is rare. This variant substitutes a cysteine residue that is located within the epidermal growth factor-like domain of the FBN1 protein. Missense variants in FBN1 that substitute or create a cysteine residue are well-documented to cause Marfan syndrome (Dietz and Dietz. 1993. PubMed ID: 20301510; Comeglio et al. 2007. PubMed ID: 17657824; Stheneur et al. 2009. PubMed ID: 19293843). Different nucleotide substitutions affecting the same amino acid (p.Cys1111Arg, p.Cys1111Tyr) have also been reported in individuals with Marfan syndrome (Peng et al. 2016. PubMed ID: 27138491; Robinson et al. 2012. PubMed ID: 21895641). Taken together, the c.3332G>T (p.Cys1111Phe) variant is interpreted as likely pathogenic.